The following is an entry in ClinVar:

ClinVar aggregate classification (germline): Conflicting classifications of pathogenicity. Review status: criteria provided, conflicting classifications (1 of 4 stars). 3 submissions from 3 submitters: Likely pathogenic (1); Uncertain significance (2). Last evaluated 2024-10-24.

Conditions:
Smith-Lemli-Opitz syndrome (SLOS). Also called: LETHAL ACRODYSGENITAL SYNDROME; POLYDACTYLY, SEX REVERSAL, RENAL HYPOPLASIA, AND UNILOBAR LUNG; RSH SYNDROME; RUTLEDGE LETHAL MULTIPLE CONGENITAL ANOMALY SYNDROME; 7-Dehydrocholesterol reductase deficiency. Identifiers: Orphanet 818, MedGen C0175694, MONDO:0010035, OMIM 270400.

Allele frequency attached by ClinVar (database versions not stated): TOPMed 0.00001; ExAC 0.00002; gnomAD 0.00002; gnomAD exomes 0.00002; 1000 Genomes Project 30x 0.00016; 1000 Genomes Project 0.00020.
gnomAD v4.1: 33 of 1,614,062 alleles (0.002%); highest among the groups gnomAD compares: East Asian, 0.06%; no homozygotes.

Submissions (3):

New York Genome Center
Classification: Uncertain significance for Smith-Lemli-Opitz syndrome. Last evaluated: 2024-10-24. Review status: criteria provided, single submitter. Criteria: NYGC Assertion Criteria 2020. Collection method: clinical testing. Allele origin: inherited. Observed: 1 variant allele, 1 compound heterozygote.
Comment: The c.683G>A variant is deposited in Clinvar by one submitter as Likely Pathogenic [ClinVar ID: 2137193]. The c.683G>A variant is observed in 33 alleles (0.007446 total population allele frequency with no homozygotes) on gnomad v4.1.0, suggesting it is not a common benign variant in the populations represented in that dataset. The c.683G>A variant in DHCR7 is located in exon 7 of this 9-exon gene and predicted to replace an evolutionarily conserved arginine amino acid with a glutamine at position 228 (p.(Arg228Gln)) within a sterol reductase motif [PMID: 16207203]. In silico predictions are also in favor of damaging effect for the p.(Arg228Gln) variant [CADD v1.6 = 26.8, REVEL = 0.886]. An in vitro functional study reported that transduced cells with the p.(Arg228Gln) variant affected cellular ferroptosis, which does not directly relate to the major role of DHCR7 in cholesterol biosynthesis but may suggest a functional impact [PMID: 38472233). Another missense variant affecting the p.Arg228 residue (c.682C>T, p.(Arg228Trp)) in DHCR7 has been reported in multiple affected individuals [ClinVar ID: 558494] [PMID: 22226660, 15776424]. Due to the lack of compelling evidence for its pathogenicity, the inherited heterozygous c.683G>A p.(Arg228Gln) variant identified is reported as a Variant of Uncertain Significance.

Fulgent Genetics
Classification: Uncertain significance for Smith-Lemli-Opitz syndrome. Last evaluated: 2024-06-12. Review status: criteria provided, single submitter. Criteria: ACMG Guidelines, 2015. Collection method: clinical testing. Allele origin: germline.

Labcorp Genetics (formerly Invitae), Labcorp
Classification: Likely pathogenic for Smith-Lemli-Opitz syndrome. Last evaluated: 2024-02-22. Review status: criteria provided, single submitter. Criteria: Invitae Variant Classification Sherloc (09022015). Collection method: clinical testing. Allele origin: germline.
Comment: This sequence change replaces arginine, which is basic and polar, with glutamine, which is neutral and polar, at codon 228 of the DHCR7 protein (p.Arg228Gln). This variant is present in population databases (rs201556114, gnomAD 0.007%). This variant has not been reported in the literature in individuals affected with DHCR7-related conditions. ClinVar contains an entry for this variant (Variation ID: 2137193). Advanced modeling of protein sequence and biophysical properties (such as structural, functional, and spatial information, amino acid conservation, physicochemical variation, residue mobility, and thermodynamic stability) performed at Invitae indicates that this missense variant is expected to disrupt DHCR7 protein function with a positive predictive value of 95%. This variant disrupts the Smith-Lemli-Opitz syndrome amino acid residue in DHCR7. Other variant(s) that disrupt this residue have been determined to be pathogenic (PMID: 15776424, 22226660). This suggests that this residue is clinically significant, and that variants that disrupt this residue are likely to be disease-causing. In summary, the currently available evidence indicates that the variant is pathogenic, but additional data are needed to prove that conclusively. Therefore, this variant has been classified as Likely Pathogenic.

Literature cited by the submitters: PubMed 15776424 (cited by Labcorp Genetics (formerly Invitae), Labcorp); PubMed 22226660 (cited by Labcorp Genetics (formerly Invitae), Labcorp).

NM_001360.3(DHCR7):c.683G>A (p.Arg228Gln)

Gene: DHCR7 (7-dehydrocholesterol reductase; minus strand). Cytogenetic location: 11q13.4.
Variant type: single nucleotide variant.
Coding change: c.683G>A on transcript NM_001360.3 (MANE Select); coding-DNA position 683, G replaced by A.
Protein change: p.Arg228Gln; replaces arginine 228 with glutamine.
Molecular consequence: missense variant.
Genome position (GRCh38, 1-based): chr11:71,439,027, C>T on the plus strand (G>A on the coding strand, the complement: DHCR7 is on the minus strand). VCF-style: chr11-71439027-C-T. GRCh37 (hg19) VCF-style: chr11-71150073-C-T.
Other names: c.683G>A, p.Arg228Gln (NM_001163817.2); short protein forms R228Q.
Identifiers: ClinVar variation 2137193 (VCV002137193.6), dbSNP rs201556114, ClinGen allele CA6162490.